The following is an entry in ClinVar:

ClinVar aggregate classification (germline): Uncertain significance (1 of 4 stars; one submission).

Submission:

GeneDx
Classification: Uncertain significance. Last evaluated: 2023-07-03. Review status: criteria provided, single submitter. Criteria: GeneDx Variant Classification Process June 2021. Collection method: clinical testing. Allele origin: germline. Affected: yes.
Comment: Not observed at significant frequency in large population cohorts (gnomAD); In silico analysis supports that this missense variant does not alter protein structure/function; Has not been previously published as pathogenic or benign to our knowledge

NM_007327.4(GRIN1):c.2072T>G (p.Ile691Ser)

Gene: GRIN1 (glutamate ionotropic receptor NMDA type subunit 1; plus strand). Cytogenetic location: 9q34.3.
Variant type: single nucleotide variant.
Coding change: c.2072T>G on transcript NM_007327.4 (MANE Select); coding-DNA position 2072, T replaced by G.
Protein change: p.Ile691Ser; replaces isoleucine 691 with serine.
Molecular consequence: missense variant.
Genome position (GRCh38, 1-based): chr9:137,162,904, T>G. VCF-style: chr9-137162904-T-G. GRCh37 (hg19) VCF-style: chr9-140057356-T-G.
Other names: c.2072T>G, p.Ile691Ser (NM_021569.4, NM_000832.7); c.2135T>G, p.Ile712Ser (NM_001185090.2, NM_001185091.2); short protein forms I691S, I712S.
Identifiers: ClinVar variation 3360807 (VCV003360807.1).